The following is an entry in ClinVar:

NM_001605.3(AARS1):c.2247C>G (p.Ile749Met)

Gene: AARS1 (alanyl-tRNA synthetase 1; minus strand). Cytogenetic location: 16q22.1.
Variant type: single nucleotide variant.
Coding change: c.2247C>G on transcript NM_001605.3 (MANE Select); coding-DNA position 2247, C replaced by G.
Protein change: p.Ile749Met; replaces isoleucine 749 with methionine.
Molecular consequence: missense variant.
Genome position (GRCh38, 1-based): chr16:70,255,767, G>C on the plus strand (C>G on the coding strand, the complement: AARS1 is on the minus strand). VCF-style: chr16-70255767-G-C. GRCh37 (hg19) VCF-style: chr16-70289670-G-C.
Other names: short protein forms I749M.
Identifiers: ClinVar variation 3897063 (VCV003897063.1).
Genomic context (GRCh38, chr16:70,255,767, plus strand): 5'-AAACCAGCCTGACCTGCTCACCTTCTGGGCCTCGGCACCTGTGACAGCCACAATCCTCCG[G>C]ATACCCTTGGCAATGGCTTCTTCCGTCACGATCACAAAAGCTCCTGCATGACTCGAGTTC-3'
Protein context (NP_001596.2, residues 739-759): IVTEEAIAKG[Ile749Met]RRIVAVTGAE

ClinVar aggregate classification (germline): Uncertain significance (1 of 4 stars; one submission).

Submission:

Kariminejad - Najmabadi Pathology & Genetics Center
Classification: Uncertain significance. Last evaluated: 2020-02-20. Review status: criteria provided, single submitter. Criteria: ACMG Guidelines, 2015. Collection method: clinical testing. Allele origin: germline. Inheritance: Autosomal dominant inheritance. Affected: yes.
Comment: PM2, PP2, PP3